The following is an entry in ClinVar:

ClinVar aggregate classification (germline): Uncertain significance (1 of 4 stars; one submission).

Conditions:
Multiple endocrine neoplasia, type 1 (MEN1). Also called: MEN I; WERMER SYNDROME; Endocrine adenomatosis multiple; MEN 1; MEA I. Identifiers: Orphanet 652, MedGen C0025267, MeSH D018761, MONDO:0007540, OMIM 131100.

Submission:

All of Us Research Program, National Institutes of Health
Classification: Uncertain significance for Multiple endocrine neoplasia, type 1. Last evaluated: 2024-03-05. Review status: criteria provided, single submitter. Criteria: ACMG Guidelines, 2015. Collection method: clinical testing. Allele origin: germline. Inheritance: Autosomal dominant inheritance. Observed: 1 variant allele, 1 heterozygote.
Comment: This study involves interpretation of variants in research participants for the purpose of population health screening. Participant phenotype was not available at the time of variant classification. Additional details can be found in publication PMID: 35346344, PMCID: PMC8962531

NM_001370259.2(MEN1):c.28C>G (p.Leu10Val)

Gene: MEN1 (menin 1; minus strand). Cytogenetic location: 11q13.1.
Variant type: single nucleotide variant.
Coding change: c.28C>G on transcript NM_001370259.2 (MANE Select); coding-DNA position 28, C replaced by G.
Protein change: p.Leu10Val; replaces leucine 10 with valine.
Molecular consequence: missense variant. On other transcripts: non-coding transcript variant (4).
Genome position (GRCh38, 1-based): chr11:64,810,082, G>C on the plus strand (C>G on the coding strand, the complement: MEN1 is on the minus strand). VCF-style: chr11-64810082-G-C. GRCh37 (hg19) VCF-style: chr11-64577554-G-C.
Other names: c.28C>G, p.Leu10Val (NM_000244.4, NM_001370251.2, NM_001370260.2 and 20 more transcripts); short protein forms L10V.
Identifiers: ClinVar variation 3387028 (VCV003387028.1).
Genomic context (GRCh38, chr11:64,810,082, plus strand): 5'-CTCGGCCCAGCTCGGCAGCAAACAGGCGCACCACGTCGTCGATGGAGCGCAGCGGGAACA[G>C]CGTCTTCTGGGCGGCCTTCAGCCCCATGGCGGCGGGCGGTGGGCGGCGGCCTGCAAGGCA-3'
Protein context (NP_001357188.2, residues 1-20): MGLKAAQKT[Leu10Val]FPLRSIDDVV